The following is an entry in ClinVar:

NM_138370.3(PKDCC):c.911C>T (p.Thr304Met)

Gene: PKDCC (protein kinase domain containing, cytoplasmic; plus strand). Cytogenetic location: 2p21.
Variant type: single nucleotide variant.
Coding change: c.911C>T on transcript NM_138370.3 (MANE Select); coding-DNA position 911, C replaced by T.
Protein change: p.Thr304Met; replaces threonine 304 with methionine.
Molecular consequence: missense variant.
Genome position (GRCh38, 1-based): chr2:42,054,184, C>T. VCF-style: chr2-42054184-C-T. GRCh37 (hg19) VCF-style: chr2-42281324-C-T.
Other names: c.911C>T (NM_138370.2); short protein forms T304M.
Identifiers: ClinVar variation 1524847 (VCV001524847.11), dbSNP rs150069795, ClinGen allele CA1628059.
Genomic context (GRCh38, chr2:42,054,184, plus strand): 5'-TTGTGCTGGTGGATGGGGAGCTCAAAGTGACGGACCTGGATGACGCACGTGTGGAGGAGA[C>T]GCCGTGTGCAGGCAGCACCGACTGCATACTCGAGTTTCCGGCCAGGAACTTCACCCTGCC-3'
Protein context (NP_612379.2, residues 294-314): TDLDDARVEE[Thr304Met]PCAGSTDCIL

ClinVar aggregate classification (germline): Uncertain significance. Review status: criteria provided, multiple submitters, no conflicts (2 of 4 stars). 3 submissions from 3 submitters: Uncertain significance (3). Last evaluated 2025-11-01.

Conditions:
Inborn genetic diseases. Identifiers: MedGen C0950123, MeSH D030342.

Allele frequency attached by ClinVar (database versions not stated): 1000 Genomes Project 0.00020; 1000 Genomes Project 30x 0.00031; ESP Exome Variant Server 0.00038.
gnomAD v4.1: 1,048 of 1,609,968 alleles (0.065%); highest among the groups gnomAD compares: Non-Finnish European, 0.082%; no homozygotes.

Submissions (3):

CeGaT Center for Human Genetics Tuebingen
Classification: Uncertain significance. Last evaluated: 2025-11-01. Review status: criteria provided, single submitter. Criteria: CeGaT Center For Human Genetics Tuebingen Variant Classification Criteria Version 2. Collection method: clinical testing. Allele origin: germline. Affected: yes. Observed: 1 variant allele.

Ambry Genetics
Classification: Uncertain significance for Inborn genetic diseases. Last evaluated: 2024-05-06. Review status: criteria provided, single submitter. Criteria: Ambry Variant Classification Scheme 2023. Collection method: clinical testing. Allele origin: germline.

Labcorp Genetics (formerly Invitae), Labcorp
Classification: Uncertain significance. Last evaluated: 2022-08-23. Review status: criteria provided, single submitter. Criteria: Invitae Variant Classification Sherloc (09022015). Collection method: clinical testing. Allele origin: germline.
Comment: This sequence change replaces threonine, which is neutral and polar, with methionine, which is neutral and non-polar, at codon 304 of the PKDCC protein (p.Thr304Met). This variant is present in population databases (rs150069795, gnomAD 0.07%), and has an allele count higher than expected for a pathogenic variant. This variant has not been reported in the literature in individuals affected with PKDCC-related conditions. ClinVar contains an entry for this variant (Variation ID: 1524847). Algorithms developed to predict the effect of missense changes on protein structure and function are either unavailable or do not agree on the potential impact of this missense change (SIFT: "Deleterious"; PolyPhen-2: "Benign"; Align-GVGD: "Class C15"). In summary, the available evidence is currently insufficient to determine the role of this variant in disease. Therefore, it has been classified as a Variant of Uncertain Significance.